The following is an entry in ClinVar:

ClinVar aggregate classification (germline): Conflicting classifications of pathogenicity. Review status: criteria provided, conflicting classifications (1 of 4 stars). 4 submissions from 4 submitters: Uncertain significance (3); Likely benign (1). Last evaluated 2023-06-09.

Conditions:
Hereditary cancer-predisposing syndrome. Also called: Hereditary neoplastic syndrome; Neoplastic Syndromes, Hereditary; Hereditary Cancer Syndrome; Tumor predisposition. Identifiers: Orphanet 140162, MedGen C0027672, MeSH D009386, MONDO:0015356.
Hereditary breast ovarian cancer syndrome. Also called: BRCA1- and BRCA2-Associated Hereditary Breast and Ovarian Cancer; Hereditary breast and ovarian cancer syndrome (HBOC); Hereditary breast and/or ovarian cancer syndrome; Hereditary breast and ovarian cancer syndrome; Hereditary breast and ovarian cancer; Breast and ovarian cancer. Identifiers: Orphanet 145, MedGen C0677776, MeSH D061325, MONDO:0003582. Disease mechanism: loss of function.

Submissions (4):

Ambry Genetics
Classification: Uncertain significance for Hereditary cancer-predisposing syndrome. Last evaluated: 2023-06-09. Review status: criteria provided, single submitter. Criteria: Ambry Variant Classification Scheme 2023. Collection method: clinical testing. Allele origin: germline.
Comment: The p.G1338V variant (also known as c.4013G>T), located in coding exon 10 of the BRCA2 gene, results from a G to T substitution at nucleotide position 4013. The glycine at codon 1338 is replaced by valine, an amino acid with dissimilar properties. This amino acid position is conserved. In addition, this alteration is predicted to be tolerated by in silico analysis. Since supporting evidence is limited at this time, the clinical significance of this alteration remains unclear.

Quest Diagnostics Nichols Institute San Juan Capistrano
Classification: Uncertain significance. Last evaluated: 2023-04-12. Review status: criteria provided, single submitter. Criteria: Quest Diagnostics criteria. Collection method: clinical testing. Allele origin: unknown.
Comment: The variant has not been reported in the published literature. It also has not been reported in large, multi-ethnic general populations. Analysis of this variant using bioinformatics tools for the prediction of the effect of amino acid changes on protein structure and function yielded predictions that this variant is benign. Based on the available information, we are unable to determine the clinical significance of this variant.

University of Washington Department of Laboratory Medicine, University of Washington
Classification: Likely benign for Hereditary cancer-predisposing syndrome. Last evaluated: 2023-03-23. Review status: criteria provided, single submitter. Criteria: Dines et al. (Genet Med. 2020). Collection method: curation. Allele origin: germline.
Comment: Missense variant in a coldspot region where missense variants are very unlikely to be pathogenic (PMID:31911673).

BRCA2 exon 11 coldspot. Reclassification based on statistical prior probability.

Labcorp Genetics (formerly Invitae), Labcorp
Classification: Uncertain significance for Hereditary breast ovarian cancer syndrome. Last evaluated: 2022-10-16. Review status: criteria provided, single submitter. Criteria: Invitae Variant Classification Sherloc (09022015). Collection method: clinical testing. Allele origin: germline.
Comment: This sequence change replaces glycine, which is neutral and non-polar, with valine, which is neutral and non-polar, at codon 1338 of the BRCA2 protein (p.Gly1338Val). This variant is not present in population databases (gnomAD no frequency). This variant has not been reported in the literature in individuals affected with BRCA2-related conditions. Advanced modeling of protein sequence and biophysical properties (such as structural, functional, and spatial information, amino acid conservation, physicochemical variation, residue mobility, and thermodynamic stability) performed at Invitae indicates that this missense variant is not expected to disrupt BRCA2 protein function. In summary, the available evidence is currently insufficient to determine the role of this variant in disease. Therefore, it has been classified as a Variant of Uncertain Significance.

NM_000059.4(BRCA2):c.4013G>T (p.Gly1338Val)

Gene: BRCA2 (BRCA2 DNA repair associated; plus strand). Cytogenetic location: 13q13.1.
Variant type: single nucleotide variant.
Coding change: c.4013G>T on transcript NM_000059.4 (MANE Select); coding-DNA position 4013, G replaced by T.
Protein change: p.Gly1338Val; replaces glycine 1338 with valine.
Molecular consequence: missense variant.
Genome position (GRCh38, 1-based): chr13:32,338,368, G>T. VCF-style: chr13-32338368-G-T. GRCh37 (hg19) VCF-style: chr13-32912505-G-T.
Other names: c.4013G>T, p.Gly1338Val (NM_001406719.1, NM_001406720.1); short protein forms G1338V.
Identifiers: ClinVar variation 1721713 (VCV001721713.10), dbSNP rs2137502060, ClinGen allele CA387779025.